The following is an entry in ClinVar:

NM_198904.4(GABRG2):c.299G>T (p.Ser100Ile)

Gene: GABRG2 (gamma-aminobutyric acid type A receptor subunit gamma2; plus strand). Cytogenetic location: 5q34.
Variant type: single nucleotide variant.
Coding change: c.299G>T on transcript NM_198904.4 (MANE Select); coding-DNA position 299, G replaced by T.
Protein change: p.Ser100Ile; replaces serine 100 with isoleucine.
Molecular consequence: missense variant. On other transcripts: 5 prime UTR variant (2).
Genome position (GRCh38, 1-based): chr5:162,095,534, G>T. VCF-style: chr5-162095534-G-T. GRCh37 (hg19) VCF-style: chr5-161522540-G-T.
Other names: c.299G>T, p.Ser100Ile (NM_000816.3, NM_001375340.1, NM_001375341.1 and 4 more transcripts); c.290G>T, p.Ser97Ile (NM_001375339.1); c.233G>T, p.Ser78Ile (NM_001375345.1, NM_001375346.1); c.212G>T, p.Ser71Ile (NM_001375347.1); c.-60G>T (NM_001375348.1, NM_001375350.1); c.14G>T, p.Ser5Ile (NM_001375349.1); short protein forms S100I, S71I, S78I, S97I, S5I.
Identifiers: ClinVar variation 2074611 (VCV002074611.4), dbSNP rs2532559799, ClinGen allele CA362183419.

ClinVar aggregate classification (germline): Uncertain significance (1 of 4 stars; one submission).

Conditions:
EPILEPSY, CHILDHOOD ABSENCE, SUSCEPTIBILITY TO, 2 (ECA2). Identifiers: Orphanet 64280, MedGen C1843244, OMIM 607681.
Febrile seizures, familial, 8 (FEB8). Also called: CONVULSIONS, FAMILIAL FEBRILE, 8. Identifiers: Orphanet 36387, MedGen C1969810, MONDO:0011891, OMIM 607681.

Submission:

Labcorp Genetics (formerly Invitae), Labcorp
Classification: Uncertain significance for Febrile seizures, familial, 8; EPILEPSY, CHILDHOOD ABSENCE, SUSCEPTIBILITY TO, 2. Last evaluated: 2022-01-04. Review status: criteria provided, single submitter. Criteria: Invitae Variant Classification Sherloc (09022015). Collection method: clinical testing. Allele origin: germline.
Comment: In summary, the available evidence is currently insufficient to determine the role of this variant in disease. Therefore, it has been classified as a Variant of Uncertain Significance. Advanced modeling of protein sequence and biophysical properties (such as structural, functional, and spatial information, amino acid conservation, physicochemical variation, residue mobility, and thermodynamic stability) performed at Invitae indicates that this missense variant is expected to disrupt GABRG2 protein function. This variant has not been reported in the literature in individuals affected with GABRG2-related conditions. This variant is not present in population databases (gnomAD no frequency). This sequence change replaces serine, which is neutral and polar, with isoleucine, which is neutral and non-polar, at codon 100 of the GABRG2 protein (p.Ser100Ile).